The following is an entry in ClinVar:

ClinVar aggregate classification (germline): Uncertain significance (1 of 4 stars; one submission).

Conditions:
Familial hemophagocytic lymphohistiocytosis 4 (FHL4). Also called: STX11-Related Familial Hemophagocytic Lymphohistiocytosis (STX11-fHLH). Identifiers: Orphanet 540, MedGen C1863728, MONDO:0011336, OMIM 603552.

Allele frequency attached by ClinVar (database versions not stated): ExAC 0.00008; gnomAD 0.00002; TOPMed 0.00002; gnomAD exomes 0.00005 and 0.00007.
gnomAD v4.1: 105 of 1,610,124 alleles (0.0065%); highest among the groups gnomAD compares: Non-Finnish European, 0.0088%; no homozygotes.

Submission:

Labcorp Genetics (formerly Invitae), Labcorp
Classification: Uncertain significance for Familial hemophagocytic lymphohistiocytosis 4. Last evaluated: 2022-09-06. Review status: criteria provided, single submitter. Criteria: Invitae Variant Classification Sherloc (09022015). Collection method: clinical testing. Allele origin: germline.
Comment: This sequence change replaces valine, which is neutral and non-polar, with methionine, which is neutral and non-polar, at codon 124 of the STX11 protein (p.Val124Met). This variant is present in population databases (rs763273407, gnomAD 0.01%). This variant has not been reported in the literature in individuals affected with STX11-related conditions. ClinVar contains an entry for this variant (Variation ID: 662935). Algorithms developed to predict the effect of missense changes on protein structure and function output the following: SIFT: "Tolerated"; PolyPhen-2: "Benign"; Align-GVGD: "Class C0". The methionine amino acid residue is found in multiple mammalian species, which suggests that this missense change does not adversely affect protein function. In summary, the available evidence is currently insufficient to determine the role of this variant in disease. Therefore, it has been classified as a Variant of Uncertain Significance.

NM_003764.4(STX11):c.370G>A (p.Val124Met)

Gene: STX11 (syntaxin 11; plus strand). Cytogenetic location: 6q24.2.
Variant type: single nucleotide variant.
Coding change: c.370G>A on transcript NM_003764.4 (MANE Select); coding-DNA position 370, G replaced by A.
Protein change: p.Val124Met; replaces valine 124 with methionine.
Molecular consequence: missense variant.
Genome position (GRCh38, 1-based): chr6:144,186,997, G>A. VCF-style: chr6-144186997-G-A. GRCh37 (hg19) VCF-style: chr6-144508134-G-A.
Other names: c.370G>A (LRG_113t1); short protein forms V124M.
Identifiers: ClinVar variation 662935 (VCV000662935.6), dbSNP rs763273407, ClinGen allele CA4031689.